The following is an entry in ClinVar:

NM_152641.4(ARID2):c.2521C>T (p.Gln841Ter)

Gene: ARID2 (AT-rich interaction domain 2; plus strand). Cytogenetic location: 12q12.
Variant type: single nucleotide variant.
Coding change: c.2521C>T on transcript NM_152641.4 (MANE Select); coding-DNA position 2521, C replaced by T.
Protein change: p.Gln841Ter; replaces glutamine 841 with a stop codon.
Molecular consequence: nonsense.
Genome position (GRCh38, 1-based): chr12:45,850,644, C>T. VCF-style: chr12-45850644-C-T. GRCh37 (hg19) VCF-style: chr12-46244427-C-T.
Other names: c.2521C>T, p.Gln841Ter (NM_001347839.2); short protein forms Q841*.
Identifiers: ClinVar variation 545705 (VCV000545705.5), dbSNP rs1555154946, ClinGen allele CA384475233.

ClinVar aggregate classification (germline): Pathogenic. Review status: criteria provided, single submitter (1 of 4 stars). 2 submissions from 2 submitters: Pathogenic (1). 1 of the submissions does not count toward it. Last evaluated 2025-07-08.

Conditions:
Coffin-Siris syndrome 6. Identifiers: MedGen C4540499, MONDO:0033492, OMIM 617808.

Submissions (2):

Victorian Clinical Genetics Services, Murdoch Childrens Research Institute
Classification: Pathogenic for Coffin-Siris syndrome 6. Last evaluated: 2025-07-08. Review status: criteria provided, single submitter. Criteria: ACMG Guidelines, 2015. Collection method: clinical testing. Allele origin: germline. Affected: yes.
Comment: This variant is classified as Pathogenic. Evidence in support of pathogenic classification: Variant is predicted to cause nonsense-mediated decay (NMD) and loss of protein (premature termination codon is located at least 54 nucleotides upstream of the final exon-exon junction); Variant is absent from gnomAD (v2, v3 and v4); This variant has limited previous evidence of pathogenicity in an unrelated individual(s). This variant has been classified as pathogenic by a clinical laboratory in ClinVar; Other NMD-predicted variant(s) comparable to the one identified in this case have very strong previous evidence for pathogenicity (DECIPHER). Additional information: This variant is heterozygous; This gene is associated with autosomal dominant disease; Loss of function is a known mechanism of disease in this gene and is associated with Coffin-Siris syndrome 6 (MIM#617808); Parental origin of the variant is unresolved.

Foundation for Research in Genetics and Endocrinology, FRIGE's Institute of Human Genetics
Classification: Pathogenic for Coffin-Siris syndrome 6. Last evaluated: 2018-05-09. Review status: no assertion criteria provided. Collection method: clinical testing. Allele origin: germline. Inheritance: Autosomal dominant inheritance. Affected: yes. Observed: 1 variant allele, 1 heterozygote. Not counted in ClinVar's aggregate classification.
Comment: The observed variant c.2521C>T (p.Gln841Ter) is not reported in 1000 Genomes and ExAC databases. The in silico prediction of the variant is disease causing by MutationTaster2.